The following is an entry in ClinVar:

ClinVar aggregate classification (germline): Pathogenic/Likely pathogenic. Review status: criteria provided, multiple submitters, no conflicts (2 of 4 stars). 2 submissions from 2 submitters: Pathogenic (1); Likely pathogenic (1). Last evaluated 2023-09-29.

Conditions:
GM3 synthase deficiency (SPDRS). Also called: AMISH INFANTILE EPILEPSY SYNDROME; SALT AND PEPPER MENTAL RETARDATION SYNDROME; SALT AND PEPPER DEVELOPMENTAL REGRESSION SYNDROME. Identifiers: Orphanet 171714, Orphanet 370933, MedGen C1836824, MONDO:0018274, OMIM 609056.

Allele frequency attached by ClinVar (database versions not stated): gnomAD exomes below 0.00001; gnomAD 0.00002; TOPMed 0.00003.

Submissions (2):

Labcorp Genetics (formerly Invitae), Labcorp
Classification: Pathogenic for GM3 synthase deficiency. Last evaluated: 2023-09-29. Review status: criteria provided, single submitter. Criteria: Invitae Variant Classification Sherloc (09022015). Collection method: clinical testing. Allele origin: germline.
Comment: For these reasons, this variant has been classified as Pathogenic. Algorithms developed to predict the effect of sequence changes on RNA splicing suggest that this variant may disrupt the consensus splice site. ClinVar contains an entry for this variant (Variation ID: 1325142). This variant has not been reported in the literature in individuals affected with ST3GAL5-related conditions. This variant is not present in population databases (gnomAD no frequency). This sequence change creates a premature translational stop signal (p.Met94Ilefs*12) in the ST3GAL5 gene. It is expected to result in an absent or disrupted protein product. Loss-of-function variants in ST3GAL5 are known to be pathogenic (PMID: 15502825, 22990144, 27232954).

Revvity Omics, Revvity
Classification: Likely pathogenic for GM3 synthase deficiency. Last evaluated: 2019-12-06. Review status: criteria provided, single submitter. Criteria: ACMG Guidelines, 2015. Collection method: clinical testing. Allele origin: germline.

Literature cited by the submitters: PubMed 15502825 (cited by Labcorp Genetics (formerly Invitae), Labcorp); PubMed 22990144 (cited by Labcorp Genetics (formerly Invitae), Labcorp); PubMed 27232954 (cited by Labcorp Genetics (formerly Invitae), Labcorp).

NM_003896.4(ST3GAL5):c.282del (p.Met94fs)

Gene: ST3GAL5 (ST3 beta-galactoside alpha-2,3-sialyltransferase 5; minus strand). Cytogenetic location: 2p11.2.
Variant type: Deletion.
Coding change: c.282del on transcript NM_003896.4 (MANE Select); coding-DNA position 282, one base deleted (G; older notation c.282delG).
Protein change: p.Met94fs; shifts the reading frame from methionine 94.
Molecular consequence: frameshift variant. On other transcripts: 5 prime UTR variant (5).
Genome position (GRCh38, 1-based): chr2:85,861,217, C deleted on the plus strand (G on the coding strand, the reverse complement: ST3GAL5 is on the minus strand). VCF-style (leftmost placement, unchanged base first): chr2-85861216-TC-T. GRCh37 (hg19) VCF-style: chr2-86088339-TC-T.
Other names: c.213del, p.Met71fs (NM_001042437.2); c.-280del (NM_001354223.2, NM_001354226.2); c.-343del (NM_001354224.2); c.198del, p.Met66fs (NM_001354227.2, NM_001354229.2, NM_001354238.1); c.-720del (NM_001354233.2); c.-684del (NM_001354234.1); c.282del, p.Met94fs (NM_001363847.1); short protein forms M66fs, M71fs, M94fs.
Identifiers: ClinVar variation 1325142 (VCV001325142.7), dbSNP rs1383734078, ClinGen allele CA894020314.